The following is an entry in ClinVar:

ClinVar aggregate classification (germline): Likely benign. Review status: reviewed by expert panel (3 of 4 stars). 5 submissions from 5 submitters: Likely benign (1). 4 of the submissions do not count toward it. Last evaluated 2026-06-23.

Conditions:
Global developmental delay - lung cysts - overgrowth - Wilms tumor syndrome. Also called: GLOBAL DEVELOPMENTAL DELAY, LUNG CYSTS, OVERGROWTH, AND WILMS TUMOR; GLOW Syndrome. Identifiers: Orphanet 404476, MedGen C4748924, MONDO:0018445, OMIM 618272.
Hereditary cancer-predisposing syndrome. Also called: Tumor predisposition; Neoplastic Syndromes, Hereditary; Hereditary neoplastic syndrome; Hereditary Cancer Syndrome. Identifiers: Orphanet 140162, MedGen C0027672, MeSH D009386, MONDO:0015356.
DICER1-related tumor predisposition. Also called: DICER1 syndrome; DICER1-related pleuropulmonary blastoma cancer predisposition syndrome. Identifiers: Orphanet 284343, MedGen C3839822, MONDO:0100216.

Allele frequency attached by ClinVar (database versions not stated): gnomAD exomes 0.00001; ExAC 0.00001.

Submissions (5):

ClinGen DICER1 and miRNA-Processing Gene Variant Curation Expert Panel, ClinGen
Classification: Likely benign for DICER1-related tumor predisposition. Last evaluated: 2026-06-23. Review status: reviewed by expert panel. Criteria: ClinGen DICER1 ACMG Specifications DICER1 V1.4.0. Collection method: curation. Allele origin: germline. Inheritance: Autosomal dominant inheritance.
Comment: The NM_177438.3:c.646C>A variant in DICER1 is a missense variant predicted to replace proline with threonine at codon 216 (p.Pro216Thr). Although this variant has been observed in individuals undergoing genetic sequencing, to our knowledge, this variant has not been reported in individuals with DICER1-related tumor predisposition (PS4 not met; Internal lab contributors). This variant has been seen in 10 or more unrelated females without tumors through age 50 in at least one testing laboratory (BS2_Supporting; Internal lab contributors). The total allele frequency in gnomAD v4.1.0 is 0.000004338 (7/1613612 alleles) with a highest population minor allele frequency of 0.00001600 (1/62502 alleles) in a population of unknown ancestry and with multiple alleles present in the European (non-Finnish) population (PM2_Supporting, BS1, and BA1 are not met). In silico tools predict no damaging impact of the variant on protein function (REVEL: 0.283; MaxEntScan and SpliceAI: no effect on splicing) (BP4). In summary, this variant meets the criteria to be classified as Likely Benign for DICER1-related tumor predisposition based on the ACMG/AMP criteria applied, as specified by the ClinGen DICER1 VCEP: BS2_Supporting, BP4. (Bayesian Points: -2; VCEP specifications version 1.4.0; 06/23/2026)

Ambry Genetics
Classification: Uncertain significance for Hereditary cancer-predisposing syndrome. Last evaluated: 2025-09-07. Review status: criteria provided, single submitter. Criteria: Ambry Variant Classification Scheme 2023. Collection method: clinical testing. Allele origin: germline. Not counted in ClinVar's aggregate classification.
Comment: The p.P216T variant (also known as c.646C>A), located in coding exon 5 of the DICER1 gene, results from a C to A substitution at nucleotide position 646. The proline at codon 216 is replaced by threonine, an amino acid with highly similar properties. This amino acid position is highly conserved in available vertebrate species. In addition, the in silico prediction for this alteration is inconclusive. Since supporting evidence is limited at this time, the clinical significance of this alteration remains unclear.

Labcorp Genetics (formerly Invitae), Labcorp
Classification: Uncertain significance for DICER1-related tumor predisposition. Last evaluated: 2025-08-13. Review status: criteria provided, single submitter. Criteria: Invitae Variant Classification Sherloc (09022015). Collection method: clinical testing. Allele origin: germline. Not counted in ClinVar's aggregate classification.
Comment: This sequence change replaces proline, which is neutral and non-polar, with threonine, which is neutral and polar, at codon 216 of the DICER1 protein (p.Pro216Thr). This variant is present in population databases (rs757700482, gnomAD 0.002%). This variant has not been reported in the literature in individuals affected with DICER1-related conditions. ClinVar contains an entry for this variant (Variation ID: 826421). Invitae Evidence Modeling of protein sequence and biophysical properties (such as structural, functional, and spatial information, amino acid conservation, physicochemical variation, residue mobility, and thermodynamic stability) has been performed for this missense variant. However, the output from this modeling did not meet the statistical confidence thresholds required to predict the impact of this variant on DICER1 protein function. In summary, the available evidence is currently insufficient to determine the role of this variant in disease. Therefore, it has been classified as a Variant of Uncertain Significance.

Baylor Genetics
Classification: Uncertain significance for Global developmental delay - lung cysts - overgrowth - Wilms tumor syndrome. Last evaluated: 2024-03-14. Review status: criteria provided, single submitter. Criteria: ACMG Guidelines, 2015. Collection method: clinical testing. Allele origin: unknown. Not counted in ClinVar's aggregate classification.

Sema4
Classification: Uncertain significance for Hereditary cancer-predisposing syndrome. Last evaluated: 2022-02-15. Review status: criteria provided, single submitter. Criteria: Sema4 Curation Guidelines. Collection method: curation. Allele origin: germline. Not counted in ClinVar's aggregate classification.
Comment: The DICER1 c.646C>A (p.P216T) variant has not been reported in the literature to our knowledge. It was observed in 3/113418 chromosomes of the Non-Finnish European subpopulation in the large and broad cohorts of the Genome Aggregation Database (PMID: 32461654). The variant has been reported in ClinVar (Variation ID 826421). Functional studies have not been performed, and in silico predictions of the variant's effect on protein function are inconclusive. The evidence is insufficient to meet ACMG/AMP criteria for classifying the variant as benign or pathogenic. Thus, the clinical significance of this variant is currently uncertain.

NM_177438.3(DICER1):c.646C>A (p.Pro216Thr)

Gene: DICER1 (dicer 1, ribonuclease III; minus strand). Cytogenetic location: 14q32.13.
Variant type: single nucleotide variant.
Coding change: c.646C>A on transcript NM_177438.3 (MANE Select); coding-DNA position 646, C replaced by A.
Protein change: p.Pro216Thr; replaces proline 216 with threonine.
Molecular consequence: missense variant.
Genome position (GRCh38, 1-based): chr14:95,129,560, G>T on the plus strand (C>A on the coding strand, the complement: DICER1 is on the minus strand). VCF-style: chr14-95129560-G-T. GRCh37 (hg19) VCF-style: chr14-95595897-G-T.
Other names: NM_177438.3(DICER1):c.646C>A; p.Pro216Thr; c.646C>A, p.Pro216Thr (NM_001195573.1, NM_001271282.3, NM_001291628.2 and 1 more transcripts); short protein forms P216T.
Identifiers: ClinVar variation 826421 (VCV000826421.17), dbSNP rs757700482, ClinGen allele CA7331606.